The following is an entry in ClinVar:

ClinVar aggregate classification (germline): Benign (1 of 4 stars; one submission).

Submission:

GeneDx
Classification: Benign. Last evaluated: 2018-06-18. Review status: criteria provided, single submitter. Criteria: GeneDx Variant Classification (06012015). Collection method: clinical testing. Allele origin: germline. Affected: yes.
Comment: This variant is considered likely benign or benign based on one or more of the following criteria: it is a conservative change, it occurs at a poorly conserved position in the protein, it is predicted to be benign by multiple in silico algorithms, and/or has population frequency not consistent with disease.

NM_013382.7(POMT2):c.1007-331_1007-329dup

Gene: POMT2 (protein O-mannosyltransferase 2; minus strand). Cytogenetic location: 14q24.3.
Variant type: Duplication.
Coding change: c.1007-331_1007-329dup on transcript NM_013382.7 (MANE Select); 331 bases into the intron before coding-DNA position 1007 through 329 bases into the intron before coding-DNA position 1007, 3 bases duplicated (TTC; older notation c.1007-331_1007-329dupTTC).
Molecular consequence: intron variant.
Genome position (GRCh38, 1-based): chr14:77,296,602-77,296,604, GAA duplicated on the plus strand (TTC on the coding strand, the reverse complement: POMT2 is on the minus strand); duplicating any 3 consecutive bases within chr14:77,296,602-77,296,605 gives the same sequence; the c. name uses the placement nearest the transcript's 3' end. VCF-style (leftmost placement, unchanged base first): chr14-77296601-G-GGAA. GRCh37 (hg19) VCF-style: chr14-77762944-G-GGAA.
Identifiers: ClinVar variation 683957 (VCV000683957.1), dbSNP rs3837647, ClinGen allele CA263834533.